The following is an entry in ClinVar:

NM_000334.4(SCN4A):c.608T>A (p.Met203Lys)

Gene: SCN4A (sodium voltage-gated channel alpha subunit 4; minus strand). Cytogenetic location: 17q23.3.
Variant type: single nucleotide variant.
Coding change: c.608T>A on transcript NM_000334.4 (MANE Select); coding-DNA position 608, T replaced by A.
Protein change: p.Met203Lys; replaces methionine 203 with lysine.
Molecular consequence: missense variant.
Genome position (GRCh38, 1-based): chr17:63,971,725, A>T on the plus strand (T>A on the coding strand, the complement: SCN4A is on the minus strand). VCF-style: chr17-63971725-A-T. GRCh37 (hg19) VCF-style: chr17-62049085-A-T.
Other names: short protein forms M203K.
Identifiers: ClinVar variation 1074599 (VCV001074599.13), dbSNP rs933258893, ClinGen allele CA292972679.

ClinVar aggregate classification (germline): Conflicting classifications of pathogenicity. Review status: criteria provided, conflicting classifications (1 of 4 stars). 3 submissions from 3 submitters: Pathogenic (1); Uncertain significance (1). 1 of the submissions does not count toward it. Last evaluated 2025-01-22.

Conditions:
Hyperkalemic periodic paralysis. Also called: Familial hyperkalemic periodic paralysis; Gamstorp disease. Identifiers: Orphanet 682, MedGen C0238357, MONDO:0008224, OMIM 170500, HP:0007215.
Congenital myopathy 22B, severe fetal (CMYO22B). Identifiers: MedGen C5830501, MONDO:0957265, OMIM 620369.

Allele frequency attached by ClinVar (database versions not stated): gnomAD exomes below 0.00001 and 0.00002; gnomAD 0.00002; TOPMed 0.00004.
gnomAD v4.1: 36 of 1,595,086 alleles (0.0023%); highest among the groups gnomAD compares: Non-Finnish European, 0.0028%; no homozygotes.

Submissions (3):

Labcorp Genetics (formerly Invitae), Labcorp
Classification: Pathogenic for Hyperkalemic periodic paralysis. Last evaluated: 2025-01-22. Review status: criteria provided, single submitter. Criteria: Invitae Variant Classification Sherloc (09022015). Collection method: clinical testing. Allele origin: germline.
Comment: This sequence change replaces methionine, which is neutral and non-polar, with lysine, which is basic and polar, at codon 203 of the SCN4A protein (p.Met203Lys). This variant is present in population databases (no rsID available, gnomAD 0.0009%). This missense change has been observed in individual(s) with autosomal recessive SCN4A-related conditions (PMID: 26700687). In at least one individual the data is consistent with being in trans (on the opposite chromosome) from a pathogenic variant. It has also been observed to segregate with disease in related individuals. ClinVar contains an entry for this variant (Variation ID: 1074599). Invitae Evidence Modeling of protein sequence and biophysical properties (such as structural, functional, and spatial information, amino acid conservation, physicochemical variation, residue mobility, and thermodynamic stability) has been performed for this missense variant. However, the output from this modeling did not meet the statistical confidence thresholds required to predict the impact of this variant on SCN4A protein function. Experimental studies have shown that this missense change affects SCN4A function (PMID: 26700687). For these reasons, this variant has been classified as Pathogenic.

Blueprint Genetics
Classification: Uncertain significance. Last evaluated: 2024-09-19. Review status: criteria provided, single submitter. Criteria: ACMG Guidelines, 2015. Collection method: clinical testing. Allele origin: germline.

OMIM
Classification: Pathogenic for CONGENITAL MYOPATHY 22B, SEVERE FETAL. Last evaluated: 2024-07-16. Review status: no assertion criteria provided. Collection method: literature only. Allele origin: germline. Not counted in ClinVar's aggregate classification.

Literature cited by the submitters: PubMed 26700687 (cited by Labcorp Genetics (formerly Invitae), Labcorp and OMIM).